The following is an entry in ClinVar:

NM_000213.5(ITGB4):c.3230G>T (p.Arg1077Leu)

Gene: ITGB4 (integrin subunit beta 4; plus strand). Cytogenetic location: 17q25.1.
Variant type: single nucleotide variant.
Coding change: c.3230G>T on transcript NM_000213.5 (MANE Select); coding-DNA position 3230, G replaced by T.
Protein change: p.Arg1077Leu; replaces arginine 1077 with leucine.
Molecular consequence: missense variant.
Genome position (GRCh38, 1-based): chr17:75,748,959, G>T. VCF-style: chr17-75748959-G-T. GRCh37 (hg19) VCF-style: chr17-73745040-G-T.
Other names: c.3230G>T, p.Arg1077Leu (NM_001005619.2, NM_001005731.3, NM_001321123.2); short protein forms R1077L.
Identifiers: ClinVar variation 325176 (VCV000325176.9), dbSNP rs201487753, ClinGen allele CA8769741.

ClinVar aggregate classification (germline): Conflicting classifications of pathogenicity. Review status: criteria provided, conflicting classifications (1 of 4 stars). 5 submissions from 5 submitters: Uncertain significance (4); Likely benign (1). Last evaluated 2024-06-27.

Conditions:
Inborn genetic diseases. Identifiers: MedGen C0950123, MeSH D030342.
Junctional epidermolysis bullosa with pyloric atresia. Also called: CARMI SYNDROME; EPIDERMOLYSIS BULLOSA, JUNCTIONAL 5B, WITH PYLORIC ATRESIA; APLASIA CUTIS CONGENITA WITH GASTROINTESTINAL ATRESIA; EB-PA-ACC; ITGB4-Related Epidermolysis Bullosa with Pyloric Atresia; Epidermolysis bullosa, junctional, with pyloric atresia and aplasia cutis congenita. Identifiers: Orphanet 79403, MedGen C5676875, MONDO:0009183, OMIM 226730.
Epidermolysis bullosa, junctional 5A, intermediate. Also called: EPIDERMOLYSIS BULLOSA, JUNCTIONAL 5A, GENERALIZED INTERMEDIATE; EPIDERMOLYSIS BULLOSA, JUNCTIONAL 5A, NON-HERLITZ TYPE. Identifiers: MedGen C5676956, MONDO:0030768, OMIM 619816.

Allele frequency attached by ClinVar (database versions not stated): ESP Exome Variant Server 0.00008; TOPMed 0.00015; 1000 Genomes Project 0.00020; 1000 Genomes Project 30x 0.00031.

Submissions (5):

Blueprint Genetics
Classification: Uncertain significance. Last evaluated: 2024-06-27. Review status: criteria provided, single submitter. Criteria: ACMG Guidelines, 2015. Collection method: clinical testing. Allele origin: germline.

Fulgent Genetics
Classification: Likely benign for Junctional epidermolysis bullosa with pyloric atresia; Epidermolysis bullosa, junctional 5A, intermediate. Last evaluated: 2024-02-27. Review status: criteria provided, single submitter. Criteria: ACMG Guidelines, 2015. Collection method: clinical testing. Allele origin: germline.

Labcorp Genetics (formerly Invitae), Labcorp
Classification: Uncertain significance. Last evaluated: 2022-07-06. Review status: criteria provided, single submitter. Criteria: Invitae Variant Classification Sherloc (09022015). Collection method: clinical testing. Allele origin: germline.
Comment: This sequence change replaces arginine, which is basic and polar, with leucine, which is neutral and non-polar, at codon 1077 of the ITGB4 protein (p.Arg1077Leu). This variant is present in population databases (rs201487753, gnomAD 0.02%). This variant has not been reported in the literature in individuals affected with ITGB4-related conditions. ClinVar contains an entry for this variant (Variation ID: 325176). Algorithms developed to predict the effect of missense changes on protein structure and function are either unavailable or do not agree on the potential impact of this missense change (SIFT: "Not Available"; PolyPhen-2: "Possibly Damaging"; Align-GVGD: "Not Available"). In summary, the available evidence is currently insufficient to determine the role of this variant in disease. Therefore, it has been classified as a Variant of Uncertain Significance.

Ambry Genetics
Classification: Uncertain significance for Inborn genetic diseases. Last evaluated: 2021-10-26. Review status: criteria provided, single submitter. Criteria: Ambry Variant Classification Scheme 2023. Collection method: clinical testing. Allele origin: germline.

Illumina Laboratory Services, Illumina
Classification: Uncertain significance for Junctional epidermolysis bullosa with pyloric atresia. Last evaluated: 2018-01-13. Review status: criteria provided, single submitter. Criteria: ICSL Variant Classification Criteria 13 December 2019. Collection method: clinical testing. Allele origin: germline.